The following is an entry in ClinVar:

NM_022765.4(MICAL1):c.767C>G (p.Pro256Arg)

Gene: MICAL1 (microtubule associated monooxygenase, calponin and LIM domain containing 1; minus strand). Cytogenetic location: 6q21.
Variant type: single nucleotide variant.
Coding change: c.767C>G on transcript NM_022765.4 (MANE Select); coding-DNA position 767, C replaced by G.
Protein change: p.Pro256Arg; replaces proline 256 with arginine.
Molecular consequence: missense variant.
Genome position (GRCh38, 1-based): chr6:109,452,311, G>C on the plus strand (C>G on the coding strand, the complement: MICAL1 is on the minus strand). VCF-style: chr6-109452311-G-C. GRCh37 (hg19) VCF-style: chr6-109773514-G-C.
Other names: c.767C>G, p.Pro256Arg (NM_001159291.2); c.824C>G, p.Pro275Arg (NM_001286613.2); short protein forms P256R, P275R.
Identifiers: ClinVar variation 4715357 (VCV004715357.1).
Genomic context (GRCh38, chr6:109,452,311, plus strand): 5'-GCTTTGAGAAGGCTCTGGAAGAAGCTCTGGTTGTAGATCCTGGCTACACCACTGATCTCC[G>C]GCACCTGTGTCTCCTCCACGGTGCGTCCATTCACAAAGTTGGCTGTGATGCCAATGGCCA-3'
Protein context (NP_073602.3, residues 246-266): NGRTVEETQV[Pro256Arg]EISGVARIYN

ClinVar aggregate classification (germline): Uncertain significance (1 of 4 stars; one submission).

gnomAD v4.1: 1 of 1,614,110 alleles (0.000062%); highest among the groups gnomAD compares: Non-Finnish European, 0.000085%; no homozygotes.

Submission:

Labcorp Genetics (formerly Invitae), Labcorp
Classification: Uncertain significance. Last evaluated: 2025-04-11. Review status: criteria provided, single submitter. Criteria: Invitae Variant Classification Sherloc (09022015). Collection method: clinical testing. Allele origin: germline.
Comment: This sequence change replaces proline, which is neutral and non-polar, with arginine, which is basic and polar, at codon 275 of the MICAL1 protein (p.Pro275Arg). This variant is not present in population databases (gnomAD no frequency). This variant has not been reported in the literature in individuals affected with MICAL1-related conditions. An algorithm developed to predict the effect of missense changes on protein structure and function (PolyPhen-2) suggests that this variant is likely to be disruptive. In summary, the available evidence is currently insufficient to determine the role of this variant in disease. Therefore, it has been classified as a Variant of Uncertain Significance.